The following is an entry in ClinVar:

ClinVar aggregate classification (germline): Uncertain significance (1 of 4 stars; one submission).

gnomAD v4.1: 2 of 1,612,178 alleles (0.00012%); highest among the groups gnomAD compares: African/African-American, 0.0027%; no homozygotes.

Submission:

Labcorp Genetics (formerly Invitae), Labcorp
Classification: Uncertain significance. Last evaluated: 2024-06-24. Review status: criteria provided, single submitter. Criteria: Invitae Variant Classification Sherloc (09022015). Collection method: clinical testing. Allele origin: germline.
Comment: This sequence change replaces threonine, which is neutral and polar, with alanine, which is neutral and non-polar, at codon 174 of the DSG1 protein (p.Thr174Ala). This variant is present in population databases (rs147414301, gnomAD 0.01%). This variant has not been reported in the literature in individuals affected with DSG1-related conditions. An algorithm developed to predict the effect of missense changes on protein structure and function (PolyPhen-2) suggests that this variant is likely to be disruptive. In summary, the available evidence is currently insufficient to determine the role of this variant in disease. Therefore, it has been classified as a Variant of Uncertain Significance.

NM_001942.4(DSG1):c.520A>G (p.Thr174Ala)

Gene: DSG1 (desmoglein 1; plus strand). Cytogenetic location: 18q12.1.
Variant type: single nucleotide variant.
Coding change: c.520A>G on transcript NM_001942.4 (MANE Select); coding-DNA position 520, A replaced by G.
Protein change: p.Thr174Ala; replaces threonine 174 with alanine.
Molecular consequence: missense variant.
Genome position (GRCh38, 1-based): chr18:31,331,703, A>G. VCF-style: chr18-31331703-A-G. GRCh37 (hg19) VCF-style: chr18-28911666-A-G.
Other names: short protein forms T174A.
Identifiers: ClinVar variation 3618776 (VCV003618776.2).